The following is an entry in ClinVar:

NM_015466.4(PTPN23):c.2130-5_2130dup

Gene: PTPN23 (protein tyrosine phosphatase non-receptor type 23; plus strand). Cytogenetic location: 3p21.31.
Variant type: Duplication.
Coding change: c.2130-5_2130dup on transcript NM_015466.4 (MANE Select); 5 bases into the intron before coding-DNA position 2130 through coding-DNA position 2130, 6 bases duplicated (CACAGG; older notation c.2130-5_2130dupCACAGG).
Molecular consequence: splice acceptor variant.
Genome position (GRCh38, 1-based): chr3:47,409,923-47,409,928, CACAGG duplicated; duplicating any 6 consecutive bases within chr3:47,409,922-47,409,928 gives the same sequence; the c. name uses the placement nearest the transcript's 3' end. VCF-style (leftmost placement, unchanged base first): chr3-47409921-C-CGCACAG. GRCh37 (hg19) VCF-style: chr3-47451411-C-CGCACAG.
Other names: c.1752-5_1752dup (NM_001304482.2).
Identifiers: ClinVar variation 2971698 (VCV002971698.3), dbSNP rs2546248876, ClinGen allele CA2665524292.

ClinVar aggregate classification (germline): Uncertain significance (1 of 4 stars; one submission).

Submission:

Labcorp Genetics (formerly Invitae), Labcorp
Classification: Uncertain significance. Last evaluated: 2025-09-02. Review status: criteria provided, single submitter. Criteria: Invitae Variant Classification Sherloc (09022015). Collection method: clinical testing. Allele origin: germline.
Comment: This variant, c.2130-5_2130dup, results in the insertion of 2 amino acid(s) of the PTPN23 protein (p.Arg710_Glu711insHisArg), but otherwise preserves the integrity of the reading frame. This variant is not present in population databases (gnomAD no frequency). This variant has not been reported in the literature in individuals affected with PTPN23-related conditions. ClinVar contains an entry for this variant (Variation ID: 2971698). Algorithms developed to predict the effect of sequence changes on RNA splicing suggest that this variant may disrupt the consensus splice site. In summary, the available evidence is currently insufficient to determine the role of this variant in disease. Therefore, it has been classified as a Variant of Uncertain Significance.